The following is an entry in ClinVar:

NM_032043.3(BRIP1):c.3699C>G (p.Asn1233Lys)

Gene: BRIP1 (BRCA1 interacting DNA helicase 1; minus strand). Cytogenetic location: 17q23.2.
Variant type: single nucleotide variant.
Coding change: c.3699C>G on transcript NM_032043.3 (MANE Select); coding-DNA position 3699, C replaced by G.
Protein change: p.Asn1233Lys; replaces asparagine 1233 with lysine.
Molecular consequence: missense variant.
Genome position (GRCh38, 1-based): chr17:61,683,347, G>C on the plus strand (C>G on the coding strand, the complement: BRIP1 is on the minus strand). VCF-style: chr17-61683347-G-C. GRCh37 (hg19) VCF-style: chr17-59760708-G-C.
Other names: short protein forms N1233K.
Identifiers: ClinVar variation 2626391 (VCV002626391.2), dbSNP rs1060501734, ClinGen allele CA400477795.

ClinVar aggregate classification (germline): Uncertain significance (1 of 4 stars; one submission).

Conditions:
Hereditary cancer-predisposing syndrome. Also called: Tumor predisposition; Hereditary Cancer Syndrome; Hereditary neoplastic syndrome; Neoplastic Syndromes, Hereditary. Identifiers: Orphanet 140162, MedGen C0027672, MeSH D009386, MONDO:0015356.

gnomAD v4.1: 1 of 1,611,704 alleles (0.000062%); highest among the groups gnomAD compares: Non-Finnish European, 0.000085%; no homozygotes.

Submission:

Ambry Genetics
Classification: Uncertain significance for Hereditary cancer-predisposing syndrome. Last evaluated: 2023-08-11. Review status: criteria provided, single submitter. Criteria: Ambry Variant Classification Scheme 2023. Collection method: clinical testing. Allele origin: germline.
Comment: The p.N1233K variant (also known as c.3699C>G), located in coding exon 19 of the BRIP1 gene, results from a C to G substitution at nucleotide position 3699. The asparagine at codon 1233 is replaced by lysine, an amino acid with similar properties. This amino acid position is conserved. In addition, this alteration is predicted to be tolerated by in silico analysis. Since supporting evidence is limited at this time, the clinical significance of this alteration remains unclear.